The following is an entry in ClinVar:

NM_001034853.2(RPGR):c.3010G>T (p.Glu1004Ter)

Gene: RPGR (retinitis pigmentosa GTPase regulator; minus strand). Cytogenetic location: Xp11.4.
Variant type: single nucleotide variant.
Coding change: c.3010G>T on transcript NM_001034853.2 (MANE Select); coding-DNA position 3010, G replaced by T.
Protein change: p.Glu1004Ter; replaces glutamic acid 1004 with a stop codon.
Molecular consequence: nonsense. On other transcripts: intron variant (8).
Genome position (GRCh38, 1-based): chrX:38,285,989, C>A on the plus strand (G>T on the coding strand, the complement: RPGR is on the minus strand). VCF-style: chrX-38285989-C-A. GRCh37 (hg19) VCF-style: chrX-38145242-C-A.
Other names: c.1569+4970G>T (NM_001367249.1, NM_001367250.1); c.1902+1105G>T (NM_001367245.1); c.1386+4970G>T (NM_001367251.1); c.1719+1105G>T (NM_001367246.1); c.1572+4970G>T (NM_001367247.1); c.1905+1105G>T (NM_000328.3); c.1602+4970G>T (NM_001367248.1); short protein forms E1004*.
Identifiers: ClinVar variation 4725656 (VCV004725656.2).
Genomic context (GRCh38, chrX:38,285,989, plus strand): 5'-CCCCTTCCACTTCCCCTTCCTCTTCTTCCTCCCCTTCTCCCTCCCCTTCTTCCTCTCCCT[C>A]TCCTTCTTCCTCCCCTTCTTCTTCCCCTTCCTCCTCTTCCCCCTCCCCTTCTCCTTCCTC-3'

ClinVar aggregate classification (germline): Pathogenic/Likely pathogenic. Review status: criteria provided, multiple submitters, no conflicts (2 of 4 stars). 2 submissions from 2 submitters: Pathogenic (1); Likely pathogenic (1). Last evaluated 2025-08-29.

Conditions:
Primary ciliary dyskinesia. Also called: Ciliary dyskinesia. Identifiers: Orphanet 244, MedGen C0008780, MONDO:0016575, HP:0012265.
RPGR-related disorder. Also called: RPGR-related condition.

Submissions (2):

Labcorp Genetics (formerly Invitae), Labcorp
Classification: Pathogenic for Primary ciliary dyskinesia. Last evaluated: 2025-08-29. Review status: criteria provided, single submitter. Criteria: Invitae Variant Classification Sherloc (09022015). Collection method: clinical testing. Allele origin: germline.
Comment: This sequence change creates a premature translational stop signal (p.Glu1004*) in the RPGR (ORF15) gene. While this is not anticipated to result in nonsense mediated decay, it is expected to disrupt the last 149 amino acid(s) of the RPGR (ORF15) protein. This variant is not present in population databases (gnomAD no frequency). This variant has not been reported in the literature in individuals affected with RPGR (ORF15)-related conditions. This variant disrupts a region of the RPGR (ORF15) protein in which other variant(s) (p.Asn1132Thrfs*20) have been determined to be pathogenic (PMID: 18552978, 25283059). This suggests that this is a clinically significant region of the protein, and that variants that disrupt it are likely to be disease-causing. For these reasons, this variant has been classified as Pathogenic.

Blueprint Genetics
Classification: Likely pathogenic for RPGR-related disorders. Last evaluated: 2020-10-20. Review status: criteria provided, single submitter. Criteria: ACMG Guidelines, 2015. Collection method: clinical testing. Allele origin: germline. Affected: yes. Observed: 1 variant allele.

Literature cited by the submitters: PubMed 18552978 (cited by Labcorp Genetics (formerly Invitae), Labcorp); PubMed 25283059 (cited by Labcorp Genetics (formerly Invitae), Labcorp).